The following is an entry in ClinVar:

NM_000153.4(GALC):c.674C>G (p.Ala225Gly)

Gene: GALC (galactosylceramidase; minus strand). Cytogenetic location: 14q31.3.
Variant type: single nucleotide variant.
Coding change: c.674C>G on transcript NM_000153.4 (MANE Select); coding-DNA position 674, C replaced by G.
Protein change: p.Ala225Gly; replaces alanine 225 with glycine.
Molecular consequence: missense variant. On other transcripts: non-coding transcript variant (1).
Genome position (GRCh38, 1-based): chr14:87,976,436, G>C on the plus strand (C>G on the coding strand, the complement: GALC is on the minus strand). VCF-style: chr14-87976436-G-C. GRCh37 (hg19) VCF-style: chr14-88442780-G-C.
Other names: c.605C>G, p.Ala202Gly (NM_001201401.2); c.596C>G, p.Ala199Gly (NM_001201402.2); c.506C>G, p.Ala169Gly (NM_001424071.1, NM_001424072.1, NM_001424073.1); c.326C>G, p.Ala109Gly (NM_001424074.1, NM_001424075.1); c.41C>G, p.Ala14Gly (NM_001424076.1, NM_001424077.1); short protein forms A199G, A225G, A14G, A169G, A109G, A202G.
Identifiers: ClinVar variation 4752474 (VCV004752474.1).

ClinVar aggregate classification (germline): Uncertain significance (1 of 4 stars; one submission).

Conditions:
Galactosylceramide beta-galactosidase deficiency. Also called: Leukodystrophy, Globoid Cell; Krabbe Disease; GALACTOCEREBROSIDASE DEFICIENCY; GALC DEFICIENCY; GLOBOID CELL LEUKOENCEPHALOPATHY. Identifiers: Orphanet 487, MedGen C0023521, MONDO:0009499, OMIM 245200.

gnomAD v4.1: 1 of 1,613,260 alleles (0.000062%); highest among the groups gnomAD compares: African/African-American, 0.0013%; no homozygotes.

Submission:

Labcorp Genetics (formerly Invitae), Labcorp
Classification: Uncertain significance for Galactosylceramide beta-galactosidase deficiency. Last evaluated: 2025-11-17. Review status: criteria provided, single submitter. Criteria: Invitae Variant Classification Sherloc (09022015). Collection method: clinical testing. Allele origin: germline.
Comment: This sequence change replaces alanine, which is neutral and non-polar, with glycine, which is neutral and non-polar, at codon 225 of the GALC protein (p.Ala225Gly). This variant is present in population databases (rs373077659, gnomAD 0.007%). This variant has not been reported in the literature in individuals affected with GALC-related conditions. Invitae Evidence Modeling of protein sequence and biophysical properties (such as structural, functional, and spatial information, amino acid conservation, physicochemical variation, residue mobility, and thermodynamic stability) indicates that this missense variant is expected to disrupt GALC protein function with a positive predictive value of 80%. In summary, the available evidence is currently insufficient to determine the role of this variant in disease. Therefore, it has been classified as a Variant of Uncertain Significance.